The following is an entry in ClinVar:

ClinVar aggregate classification (germline): Uncertain significance. Review status: criteria provided, multiple submitters, no conflicts (2 of 4 stars). 2 submissions from 2 submitters: Uncertain significance (2). Last evaluated 2022-08-16.

Conditions:
Familial temporal lobe epilepsy 8. Identifiers: Orphanet 101046, MedGen C4225318, MONDO:0014650, OMIM 616461.

Allele frequency attached by ClinVar (database versions not stated): gnomAD exomes below 0.00001; ExAC 0.00002; TOPMed 0.00002.
gnomAD v4.1: 5 of 1,607,724 alleles (0.00031%); highest among the groups gnomAD compares: Admixed American, 0.0033%; no homozygotes.

Submissions (2):

Labcorp Genetics (formerly Invitae), Labcorp
Classification: Uncertain significance for Familial temporal lobe epilepsy 8. Last evaluated: 2022-08-16. Review status: criteria provided, single submitter. Criteria: Invitae Variant Classification Sherloc (09022015). Collection method: clinical testing. Allele origin: germline.
Comment: In summary, the available evidence is currently insufficient to determine the role of this variant in disease. Therefore, it has been classified as a Variant of Uncertain Significance. Algorithms developed to predict the effect of missense changes on protein structure and function are either unavailable or do not agree on the potential impact of this missense change (SIFT: "Not Available"; PolyPhen-2: "Benign"; Align-GVGD: "Not Available"). ClinVar contains an entry for this variant (Variation ID: 850500). This variant has not been reported in the literature in individuals affected with GAL-related conditions. The frequency data for this variant in the population databases is considered unreliable, as metrics indicate poor data quality at this position in the gnomAD database. This sequence change replaces alanine, which is neutral and non-polar, with threonine, which is neutral and polar, at codon 6 of the GAL protein (p.Ala6Thr).

New York Genome Center
Classification: Uncertain significance for Familial temporal lobe epilepsy 8. Last evaluated: 2021-04-16. Review status: criteria provided, single submitter. Criteria: NYGC Assertion Criteria 2020. Collection method: clinical testing. Allele origin: inherited. Observed: 1 heterozygote. Study: CSER-NYCKidSeq.

NM_015973.5(GAL):c.16G>A (p.Ala6Thr)

Gene: GAL (galanin and GMAP prepropeptide; plus strand). Cytogenetic location: 11q13.2.
Variant type: single nucleotide variant.
Coding change: c.16G>A on transcript NM_015973.5 (MANE Select); coding-DNA position 16, G replaced by A.
Protein change: p.Ala6Thr; replaces alanine 6 with threonine.
Molecular consequence: missense variant.
Genome position (GRCh38, 1-based): chr11:68,684,939, G>A. VCF-style: chr11-68684939-G-A. GRCh37 (hg19) VCF-style: chr11-68452407-G-A.
Other names: short protein forms A6T.
Identifiers: ClinVar variation 850500 (VCV000850500.10), dbSNP rs760551954, ClinGen allele CA6151398.
Genomic context (GRCh38, chr11:68,684,939, plus strand): 5'-GCCCACTCCGGGTTCCGACCCGCCCGCCCTGTCCTTCCCTTCCAGATGGCCCGAGGCAGC[G>A]CCCTCCTGCTCGCCTCCCTCCTCCTCGCCGCGGCCCTTTCTGCCTCTGCGGGGCTCTGGT-3'
Protein context (NP_057057.2, residues 1-16): MARGS[Ala6Thr]LLLASLLLAA